The following is an entry in ClinVar:

NM_002350.4(LYN):c.475G>A (p.Glu159Lys)

Gene: LYN (LYN proto-oncogene, Src family tyrosine kinase; plus strand). Cytogenetic location: 8q12.1.
Variant type: single nucleotide variant.
Coding change: c.475G>A on transcript NM_002350.4 (MANE Select); coding-DNA position 475, G replaced by A.
Protein change: p.Glu159Lys; replaces glutamic acid 159 with lysine.
Molecular consequence: missense variant.
Genome position (GRCh38, 1-based): chr8:55,950,772, G>A. VCF-style: chr8-55950772-G-A. GRCh37 (hg19) VCF-style: chr8-56863331-G-A.
Other names: c.412G>A, p.Glu138Lys (NM_001111097.3); short protein forms E159K, E138K.
Identifiers: ClinVar variation 2961827 (VCV002961827.3), dbSNP rs2487513696, ClinGen allele CA371280699.

ClinVar aggregate classification (germline): Uncertain significance (1 of 4 stars; one submission).

Allele frequency attached by ClinVar (database versions not stated): gnomAD exomes below 0.00001.
gnomAD v4.1: 1 of 1,610,536 alleles (0.000062%); highest among the groups gnomAD compares: Non-Finnish European, 0.000085%; no homozygotes.

Submission:

Labcorp Genetics (formerly Invitae), Labcorp
Classification: Uncertain significance. Last evaluated: 2026-01-05. Review status: criteria provided, single submitter. Criteria: Invitae Variant Classification Sherloc (09022015). Collection method: clinical testing. Allele origin: germline.
Comment: This sequence change replaces glutamic acid, which is acidic and polar, with lysine, which is basic and polar, at codon 159 of the LYN protein (p.Glu159Lys). This variant is not present in population databases (gnomAD no frequency). This variant has not been reported in the literature in individuals affected with LYN-related conditions. ClinVar contains an entry for this variant (Variation ID: 2961827). An algorithm developed to predict the effect of missense changes on protein structure and function (PolyPhen-2) suggests that this variant is likely to be disruptive. In summary, the available evidence is currently insufficient to determine the role of this variant in disease. Therefore, it has been classified as a Variant of Uncertain Significance.